The following is an entry in ClinVar:

NM_000257.4(MYH7):c.2682A>C (p.Glu894Asp)

Gene: MYH7 (myosin heavy chain 7; minus strand). Cytogenetic location: 14q11.2.
Variant type: single nucleotide variant.
Coding change: c.2682A>C on transcript NM_000257.4 (MANE Select); coding-DNA position 2682, A replaced by C.
Protein change: p.Glu894Asp; replaces glutamic acid 894 with aspartic acid.
Molecular consequence: missense variant.
Genome position (GRCh38, 1-based): chr14:23,424,147, T>G on the plus strand (A>C on the coding strand, the complement: MYH7 is on the minus strand). VCF-style: chr14-23424147-T-G. GRCh37 (hg19) VCF-style: chr14-23893356-T-G.
Other names: short protein forms E894D.
Identifiers: ClinVar variation 1677914 (VCV001677914.7), dbSNP rs1452212789, ClinGen allele CA389047395.
Genomic context (GRCh38, chr14:23,424,147, plus strand): 5'-CTGAATCTTGTTTTTGATCAGCTGATCACAGCGCTCCTCAGCATCTGCCAGGTTGTCTTG[T>G]TCCTGAAGGTGAGGAACAGAGGGGAGGCTGTTCAGGGGGTAAGGTCCTCATTCTTGCAGG-3'
Protein context (NP_000248.2, residues 884-904): KNDLQLQVQA[Glu894Asp]QDNLADAEER

ClinVar aggregate classification (germline): Uncertain significance. Review status: criteria provided, multiple submitters, no conflicts (2 of 4 stars). 4 submissions from 4 submitters: Uncertain significance (4). Last evaluated 2024-04-03.

Conditions:
Hypertrophic cardiomyopathy. Also called: HYPERTROPHIC MYOCARDIOPATHY. Identifiers: Orphanet 217569, MedGen C0007194, MeSH D002312, MONDO:0005045, HP:0001639.
Cardiomyopathy (CMYO). Also called: Cardiomyopathies. Identifiers: Orphanet 167848, MedGen C0878544, MONDO:0004994, HP:0001638. Inheritance: Various modes of inheritance.
Cardiovascular phenotype. Identifiers: MedGen CN230736.

Allele frequency attached by ClinVar (database versions not stated): gnomAD exomes 0.00001 and 0.00002.
gnomAD v4.1: 32 of 1,614,184 alleles (0.002%); highest among the groups gnomAD compares: Non-Finnish European, 0.0026%; no homozygotes.

Submissions (4):

Labcorp Genetics (formerly Invitae), Labcorp
Classification: Uncertain significance for Hypertrophic cardiomyopathy. Last evaluated: 2024-04-03. Review status: criteria provided, single submitter. Criteria: Invitae Variant Classification Sherloc (09022015). Collection method: clinical testing. Allele origin: germline.
Comment: This sequence change replaces glutamic acid, which is acidic and polar, with aspartic acid, which is acidic and polar, at codon 894 of the MYH7 protein (p.Glu894Asp). This variant is present in population databases (no rsID available, gnomAD 0.002%). This missense change has been observed in individual(s) with dilated cardiomyopathy (PMID: 27532257; Invitae). ClinVar contains an entry for this variant (Variation ID: 1677914). An algorithm developed to predict the effect of missense changes on protein structure and function (PolyPhen-2) suggests that this variant is likely to be disruptive. This variant disrupts the p.Glu894 amino acid residue in MYH7. Other variant(s) that disrupt this residue have been determined to be pathogenic (PMID: 15358028, 15858117, 21511876, 26914223). This suggests that this residue is clinically significant, and that variants that disrupt this residue are likely to be disease-causing. In summary, the available evidence is currently insufficient to determine the role of this variant in disease. Therefore, it has been classified as a Variant of Uncertain Significance.

All of Us Research Program, National Institutes of Health
Classification: Uncertain significance for Cardiomyopathy. Last evaluated: 2023-08-15. Review status: criteria provided, single submitter. Criteria: ACMG Guidelines, 2015. Collection method: clinical testing. Allele origin: germline. Inheritance: Autosomal dominant inheritance. Observed: 2 variant alleles, 2 heterozygotes.
Comment: This missense variant replaces glutamic acid with aspartic acid at codon 894 of the MYH7 protein. Computational prediction suggests that this variant may have deleterious impact on protein structure and function (internally defined REVEL score threshold >= 0.7, PMID: 27666373). This variant is found within a highly conserved region of the myosin head domain. Missense variants in this region have been shown to be significantly overrepresented in individuals with hypertrophic cardiomyopathy (PMID: 27532257). To our knowledge, functional studies have not been reported for this variant. This variant has been reported in an individual affected with dilated cardiomyopathy (PMID: 27532257). A different variant affecting the same codon, p.Glu894Gly, is considered to be disease-causing for hypertrophic cardiomyopathy (ClinVar variation ID: 42922), suggesting that glutamic acid at this position is important for MYH7 protein function. This variant has been identified in 2/251406 chromosomes in the general population by the Genome Aggregation Database (gnomAD). The available evidence is insufficient to determine the role of this variant in disease conclusively. Therefore, this variant is classified as a Variant of Uncertain Significance.

This study involves interpretation of variants in research participants for the purpose of population health screening. Participant phenotype was not available at the time of variant classification. Additional details can be found in publication PMID: 35346344, PMCID: PMC8962531

Ambry Genetics
Classification: Uncertain significance for Cardiovascular phenotype. Last evaluated: 2023-07-10. Review status: criteria provided, single submitter. Criteria: Ambry Variant Classification Scheme 2023. Collection method: clinical testing. Allele origin: germline.
Comment: The p.E894D variant (also known as c.2682A>C), located in coding exon 21 of the MYH7 gene, results from an A to C substitution at nucleotide position 2682. The glutamic acid at codon 894 is replaced by aspartic acid, an amino acid with highly similar properties. This alteration has been reported in a dilated cardiomyopathy (DCM) genetic testing cohort; however, clinical details were limited (Walsh R et al. Genet. Med., 2017 Feb;19:192-203). This alteration is located in the myosin head domain, which contains a statistically significant clustering of pathogenic missense variants (Homburger JR et al. Proc Natl Acad Sci U S A, 2016 06;113:6701-6; Walsh R et al. Genet Med, 2017 02;19:192-203; Ambry internal data). This amino acid position is highly conserved in available vertebrate species. In addition, the in silico prediction for this alteration is inconclusive. Since supporting evidence is limited at this time, the clinical significance of this alteration remains unclear.

AiLife Diagnostics
Classification: Uncertain significance. Last evaluated: 2022-02-09. Review status: criteria provided, single submitter. Criteria: ACMG Guidelines, 2015. Collection method: clinical testing. Allele origin: germline. Affected: yes. Observed: 1 variant allele.

Literature cited by the submitters: PubMed 27532257 (cited by 4 submitters); PubMed 15358028 (cited by Labcorp Genetics (formerly Invitae), Labcorp); PubMed 15858117 (cited by Labcorp Genetics (formerly Invitae), Labcorp); PubMed 21511876 (cited by Labcorp Genetics (formerly Invitae), Labcorp); PubMed 26914223 (cited by Labcorp Genetics (formerly Invitae), Labcorp); PubMed 31983221 (cited by Ambry Genetics).